The following is an entry in ClinVar:

ClinVar aggregate classification (germline): Uncertain significance (1 of 4 stars; one submission).

Conditions:
Retinoblastoma (RB1). Also called: RETINOBLASTOMA, SOMATIC. Identifiers: Orphanet 790, MedGen C0035335, MeSH D012175, MONDO:0008380, OMIM 180200, HP:0009919. Disease mechanism: loss of function. Inheritance: Both sporadic and heritable forms are tested..

Submission:

Labcorp Genetics (formerly Invitae), Labcorp
Classification: Uncertain significance for Retinoblastoma. Last evaluated: 2022-03-18. Review status: criteria provided, single submitter. Criteria: Invitae Variant Classification Sherloc (09022015). Collection method: clinical testing. Allele origin: germline.
Comment: This sequence change replaces glycine, which is neutral and non-polar, with valine, which is neutral and non-polar, at codon 617 of the RB1 protein (p.Gly617Val). This variant is not present in population databases (gnomAD no frequency). This variant has not been reported in the literature in individuals affected with RB1-related conditions. Advanced modeling of protein sequence and biophysical properties (such as structural, functional, and spatial information, amino acid conservation, physicochemical variation, residue mobility, and thermodynamic stability) performed at Invitae indicates that this missense variant is expected to disrupt RB1 protein function. In summary, the available evidence is currently insufficient to determine the role of this variant in disease. Therefore, it has been classified as a Variant of Uncertain Significance.

NM_000321.3(RB1):c.1850G>T (p.Gly617Val)

Gene: RB1 (RB transcriptional corepressor 1; plus strand). Cytogenetic location: 13q14.2.
Variant type: single nucleotide variant.
Coding change: c.1850G>T on transcript NM_000321.3 (MANE Select); coding-DNA position 1850, G replaced by T.
Protein change: p.Gly617Val; replaces glycine 617 with valine.
Molecular consequence: missense variant.
Genome position (GRCh38, 1-based): chr13:48,456,239, G>T. VCF-style: chr13-48456239-G-T. GRCh37 (hg19) VCF-style: chr13-49030375-G-T.
Other names: c.1850G>T, p.Gly617Val (NM_001407165.1); short protein forms G617V.
Identifiers: ClinVar variation 2110343 (VCV002110343.4), dbSNP rs2138331134, ClinGen allele CA388165763.